The following is an entry in ClinVar:

NM_000173.7(GP1BA):c.434T>C (p.Leu145Pro)

Gene: GP1BA (glycoprotein Ib platelet subunit alpha; plus strand). Cytogenetic location: 17p13.2.
Variant type: single nucleotide variant.
Coding change: c.434T>C on transcript NM_000173.7 (MANE Select); coding-DNA position 434, T replaced by C.
Protein change: p.Leu145Pro; replaces leucine 145 with proline.
Molecular consequence: missense variant.
Genome position (GRCh38, 1-based): chr17:4,933,038, T>C. VCF-style: chr17-4933038-T-C. GRCh37 (hg19) VCF-style: chr17-4836333-T-C.
Other names: NM_000173.7(GP1BA):c.434T>C; p.Leu145Pro; short protein forms L145P.
Identifiers: ClinVar variation 1684365 (VCV001684365.12), dbSNP rs771048666, ClinGen allele CA8314774.

ClinVar aggregate classification (germline): Likely pathogenic. Review status: reviewed by expert panel (3 of 4 stars). 8 submissions from 7 submitters: Likely pathogenic (1). 7 of the submissions do not count toward it. Last evaluated 2025-02-11.

Conditions:
Bernard-Soulier syndrome, type A2, autosomal dominant (BSSA2). Also called: Bernard-Soulier syndrome, type A2 (dominant). Identifiers: Orphanet 274, MedGen C3277076, MONDO:0007930, OMIM 153670.
GP1BA-related disorders.
Bernard Soulier syndrome (BSS). Also called: GLYCOPROTEIN Ib, PLATELET, DEFICIENCY OF; PLATELET GLYCOPROTEIN Ib DEFICIENCY; BLEEDING DISORDER, PLATELET-TYPE, 1; VON WILLEBRAND FACTOR RECEPTOR DEFICIENCY; Giant platelet syndrome; Hemorrhagiparous thrombocytic dystrophy. Identifiers: Orphanet 274, MedGen C0005129, MeSH D001606, MONDO:0009276, OMIM 231200.

Allele frequency attached by ClinVar (database versions not stated): TOPMed 0.00002; gnomAD exomes 0.00004 and 0.00012; ExAC 0.00007; gnomAD 0.00012 and 0.00013.
gnomAD v4.1: 72 of 1,613,860 alleles (0.0045%); highest among the groups gnomAD compares: African/African-American, 0.0053%; no homozygotes.

Submissions (8):

ClinGen Platelet Disorders Variant Curation Expert Panel, ClinGen
Classification: Likely pathogenic for Bernard Soulier syndrome. Last evaluated: 2025-02-11. Review status: reviewed by expert panel. Criteria: ClinGen Platelet ACMG Specifications GP1BA V1.0.0. Collection method: curation. Allele origin: germline. Inheritance: Autosomal recessive inheritance.
Comment: The NM_000173.7(GP1BA):c.434T>C (p.Leu145Pro) missense variant occurs in the first amino acid of the fifth leucine-rich repeat of the GPIbα polypeptide and the computational predictor REVEL gives a score of 0.862, which is above the ClinGen PD VCEP threshold of >0.773 to predict a damaging effect on function (PP3_Moderate). At least three BSS patients have been reported with this variant, including 2 homozygotes (PMID: 10996832 and PMID: 7579348; PM3) and one compound heterozygote (PMID: 10089893) in trans with c.1601_1602del. At least one patient (Patient 1 in PMID: 7579348) with this variant had aggregation absent for ristocetin and present for all other agonists, which is highly specific for Bernard-Soulier syndrome (PP4). Additionally, the patient had excessive mucocutaneous bleeding and macrothrombocytopenia which are consistent with Bernard-Soulier syndrome. Patient 1 and their affected cousin are both homozygous for the variant (PMID: 7579348; PP1). Functional analysis was performed with both wild-type and mutant GPIbα cDNAs transiently transfected into L cells that had been previously transformed with stable constructs expressing GPIbβ and IX. Measured by flow cytometry, 43% of cells expressed GPIbα protein on their surface when transfected with normal GPIbα cDNA under the described conditions. However, no GPIbα expression could be appreciated on the surface of the cells transfected with the mutant GPIbα cDNA (PMID: 7579348; PS3_supporting). In summary, this variant meets the criteria to be classified as Likely Pathogenic for autosomal recessive Bernard-Soulier syndrome based on the ACMG/AMP criteria applied, as specified by the ClinGen PD VCEP: PM3, PP1, PP3_Moderate, and PP4.

Mayo Clinic Laboratories, Mayo Clinic
Classification: Likely pathogenic. Last evaluated: 2025-04-09. Review status: criteria provided, single submitter. Criteria: ACMG Guidelines, 2015. Collection method: clinical testing. Allele origin: germline. Observed: 1 variant allele. Not counted in ClinVar's aggregate classification.
Comment: PP1, PP3_moderate, PP4_moderate, PM2_supporting, PM3, PS3_supporting

GeneDx
Classification: Likely pathogenic. Last evaluated: 2024-01-12. Review status: criteria provided, single submitter. Criteria: GeneDx Variant Classification Process June 2021. Collection method: clinical testing. Allele origin: germline. Affected: yes. Not counted in ClinVar's aggregate classification.
Comment: Published functional studies demonstrate a damaging effect on the expression of glycoprotein 1b-alpha on the cell surface (PMID: 7579348); In silico analysis supports that this missense variant has a deleterious effect on protein structure/function; This variant is associated with the following publications: (PMID: 7579348, 24934643, 10089893, 10996832)

Women's Health and Genetics/Laboratory Corporation of America, LabCorp
Classification: Pathogenic for Bernard Soulier syndrome. Last evaluated: 2023-12-12. Review status: criteria provided, single submitter. Criteria: LabCorp Variant Classification Summary - May 2015. Collection method: clinical testing. Allele origin: germline. Not counted in ClinVar's aggregate classification.
Comment: Variant summary: GP1BA c.434T>C (p.Leu145Pro) results in a non-conservative amino acid change in the encoded protein sequence. Five of five in-silico tools predict a damaging effect of the variant on protein function. The variant allele was found at a frequency of 0.00012 in 249180 control chromosomes (gnomAD). This frequency is not significantly higher than estimated for a pathogenic variant in GP1BA causing Bernard Soulier Syndrome (0.00012 vs 0.00059), allowing no conclusion about variant significance. c.434T>C has been reported in the literature in multiple individuals affected with Bernard Soulier Syndrome (Li_1995, Koskela_1999, Antonucci_2000). These data indicate that the variant is very likely to be associated with disease. At least one publication reports experimental evidence evaluating an impact on protein function and this variant affects GP1BA protein function (Li_1995). The following publications have been ascertained in the context of this evaluation (PMID: 10996832, 10089893, 7579348). One submitter has cited clinical-significance assessments for this variant to ClinVar after 2014 and has classified the variant as pathogenic. Based on the evidence outlined above, the variant was classified as pathogenic.

Labcorp Genetics (formerly Invitae), Labcorp
Classification: Pathogenic. Last evaluated: 2023-10-07. Review status: criteria provided, single submitter. Criteria: Invitae Variant Classification Sherloc (09022015). Collection method: clinical testing. Allele origin: germline. Not counted in ClinVar's aggregate classification.
Comment: This sequence change replaces leucine, which is neutral and non-polar, with proline, which is neutral and non-polar, at codon 145 of the GP1BA protein (p.Leu145Pro). This variant is present in population databases (rs771048666, gnomAD 0.1%). This missense change has been observed in individual(s) with Bernard-Soulier syndrome (PMID: 7579348, 10089893, 10996832). In at least one individual the data is consistent with being in trans (on the opposite chromosome) from a pathogenic variant. It has also been observed to segregate with disease in related individuals. This variant is also known as Leu129Pro. ClinVar contains an entry for this variant (Variation ID: 1684365). Advanced modeling of protein sequence and biophysical properties (such as structural, functional, and spatial information, amino acid conservation, physicochemical variation, residue mobility, and thermodynamic stability) performed at Invitae indicates that this missense variant is expected to disrupt GP1BA protein function. Experimental studies have shown that this missense change affects GP1BA function (PMID: 7579348). For these reasons, this variant has been classified as Pathogenic.

Blueprint Genetics
Classification: Pathogenic for GP1BA-related disorders. Last evaluated: 2023-03-01. Review status: criteria provided, single submitter. Criteria: ACMG Guidelines, 2015. Collection method: clinical testing. Allele origin: germline. Affected: yes. Observed: 4 variant alleles. Not counted in ClinVar's aggregate classification.

ISTH-SSC Genomics in Thrombosis and Hemostasis, KU Leuven, Center for Molecular and Vascular Biology
Classification: Pathogenic for Bernard-Soulier syndrome, type A2, autosomal dominant. Review status: criteria provided, single submitter. Criteria: ACMG Guidelines, 2015. Collection method: clinical testing. Allele origin: germline. Affected: yes. Observed: 1 heterozygote. Not counted in ClinVar's aggregate classification.
Comment: Submitted to the GoldVariant database by Dr Marie-Christine Morel-Kopp; Northern Blood Research Centre, Sydney, Australia

ISTH-SSC Genomics in Thrombosis and Hemostasis, KU Leuven, Center for Molecular and Vascular Biology
Classification: Pathogenic for Bernard Soulier syndrome. Review status: no assertion criteria provided. Collection method: research. Allele origin: unknown. Affected: yes. Not counted in ClinVar's aggregate classification.
Comment: Submitted to GoldVariant by Dr Marie-Christine Morel-Kopp from Northern Blood Research Centre, Sydney, Australia

Literature cited by the submitters: PubMed 10089893 (cited by 3 submitters); PubMed 10996832 (cited by 3 submitters); PubMed 7579348 (cited by 3 submitters).